The following is an entry in ClinVar:

ClinVar aggregate classification (germline): Conflicting classifications of pathogenicity. Review status: criteria provided, conflicting classifications (1 of 4 stars). 3 submissions from 3 submitters: Uncertain significance (2); Likely benign (1). Last evaluated 2026-09-01.

Conditions:
PKD1L1-related disorder. Also called: PKD1L1-related condition.
Inborn genetic diseases. Identifiers: MedGen C0950123, MeSH D030342.

Allele frequency attached by ClinVar (database versions not stated): gnomAD exomes 0.00002; ExAC 0.00010; 1000 Genomes Project 30x 0.00031; gnomAD 0.00032; TOPMed 0.00035; 1000 Genomes Project 0.00040; ESP Exome Variant Server 0.00046.
gnomAD v4.1: 88 of 1,610,252 alleles (0.0055%); highest among the groups gnomAD compares: African/African-American, 0.088%; no homozygotes.

Submissions (3):

CeGaT Center for Human Genetics Tuebingen
Classification: Uncertain significance. Last evaluated: 2026-09-01. Review status: criteria provided, single submitter. Criteria: CeGaT Center For Human Genetics Tuebingen Variant Classification Criteria Version 2. Collection method: clinical testing. Allele origin: germline. Affected: yes. Observed: 1 variant allele.
Comment: PKD1L1: PM2, BP4

PreventionGenetics, part of Exact Sciences
Classification: Uncertain significance for PKD1L1-related condition. Last evaluated: 2026-07-08. Review status: criteria provided, single submitter. Criteria: ACMG Guidelines, 2015. Collection method: clinical testing. Allele origin: germline.
Comment: The PKD1L1 c.4949C>T variant is predicted to result in the amino acid substitution p.Ala1650Val. To our knowledge, this variant has not been reported in the literature. This variant is reported in 0.12% of alleles in individuals of African descent in gnomAD. Although we suspect that this variant may be benign, at this time, the clinical significance of this variant is uncertain due to the absence of conclusive functional and genetic evidence.

Ambry Genetics
Classification: Likely benign for Inborn genetic diseases. Last evaluated: 2021-12-06. Review status: criteria provided, single submitter. Criteria: Ambry Variant Classification Scheme 2023. Collection method: clinical testing. Allele origin: germline.

NM_138295.5(PKD1L1):c.4949C>T (p.Ala1650Val)

Gene: PKD1L1 (polycystin 1 like 1, transient receptor potential channel interacting; minus strand). Cytogenetic location: 7p12.3.
Variant type: single nucleotide variant.
Coding change: c.4949C>T on transcript NM_138295.5 (MANE Select); coding-DNA position 4949, C replaced by T.
Protein change: p.Ala1650Val; replaces alanine 1650 with valine.
Molecular consequence: missense variant.
Genome position (GRCh38, 1-based): chr7:47,853,138, G>A on the plus strand (C>T on the coding strand, the complement: PKD1L1 is on the minus strand). VCF-style: chr7-47853138-G-A. GRCh37 (hg19) VCF-style: chr7-47892736-G-A.
Other names: short protein forms A1650V.
Identifiers: ClinVar variation 2343457 (VCV002343457.4), dbSNP rs140431400, ClinGen allele CA4252984.